The following is an entry in ClinVar:

NC_000016.9:g.(?_84043389)_(84043502_?)del

Gene: SLC38A8 (solute carrier family 38 member 8; minus strand). Cytogenetic location: 16q23.3.
Variant type: Deletion.
Identifiers: ClinVar variation 2423638 (VCV002423638.2).

ClinVar aggregate classification (germline): Uncertain significance (1 of 4 stars; one submission).

Submission:

Labcorp Genetics (formerly Invitae), Labcorp
Classification: Uncertain significance. Last evaluated: 2021-12-12. Review status: criteria provided, single submitter. Criteria: Invitae Variant Classification Sherloc (09022015). Collection method: clinical testing. Allele origin: germline.
Comment: This variant is a gross deletion of the genomic region encompassing exon(s) 10 of the SLC38A8 gene, which includes the termination codon. This deletion extends beyond the assayed region for this gene and therefore may encompass additional genes. While this deletion is not anticipated to lead to nonsense mediated decay, it is expected to alter mRNA translation or result in a truncated protein product. This variant has not been reported in the literature in individuals affected with SLC38A8-related conditions. Experimental studies and prediction algorithms are not available or were not evaluated, and the functional significance of this variant is currently unknown. In summary, the available evidence is currently insufficient to determine the role of this variant in disease. Therefore, it has been classified as a Variant of Uncertain Significance.